The following is an entry in ClinVar:

ClinVar aggregate classification (germline): Conflicting classifications of pathogenicity. Review status: criteria provided, conflicting classifications (1 of 4 stars). 2 submissions from 2 submitters: Uncertain significance (1); Likely benign (1). Last evaluated 2025-07-16.

Allele frequency attached by ClinVar (database versions not stated): TOPMed 0.00011; ExAC 0.00012; gnomAD 0.00019.
gnomAD v4.1: 174 of 1,613,886 alleles (0.011%); highest among the groups gnomAD compares: Non-Finnish European, 0.01%; no homozygotes.

Submissions (2):

Ambry Genetics
Classification: Uncertain significance. Last evaluated: 2025-07-16. Review status: criteria provided, single submitter. Criteria: Ambry Variant Classification Scheme 2023. Collection method: clinical testing. Allele origin: germline.

CeGaT Center for Human Genetics Tuebingen
Classification: Likely benign. Last evaluated: 2022-10-01. Review status: criteria provided, single submitter. Criteria: CeGaT Center For Human Genetics Tuebingen Variant Classification Criteria Version 2. Collection method: clinical testing. Allele origin: germline. Affected: yes. Observed: 1 variant allele.
Comment: MYOF: BP5

NM_013451.4(MYOF):c.4797C>G (p.Asn1599Lys)

Gene: MYOF (myoferlin; minus strand). Cytogenetic location: 10q23.33.
Variant type: single nucleotide variant.
Coding change: c.4797C>G on transcript NM_013451.4 (MANE Select); coding-DNA position 4797, C replaced by G.
Protein change: p.Asn1599Lys; replaces asparagine 1599 with lysine.
Molecular consequence: missense variant.
Genome position (GRCh38, 1-based): chr10:93,333,235, G>C on the plus strand (C>G on the coding strand, the complement: MYOF is on the minus strand). VCF-style: chr10-93333235-G-C. GRCh37 (hg19) VCF-style: chr10-95092992-G-C.
Other names: c.4758C>G, p.Asn1586Lys (NM_133337.3); short protein forms N1599K, N1586K.
Identifiers: ClinVar variation 2353523 (VCV002353523.27), dbSNP rs202041377, ClinGen allele CA5606919.